The following is an entry in ClinVar:

ClinVar aggregate classification (germline): Conflicting classifications of pathogenicity. Review status: criteria provided, conflicting classifications (1 of 4 stars). 3 submissions from 3 submitters: Uncertain significance (1); Likely benign (2). Last evaluated 2025-08-04.

Conditions:
Cardiovascular phenotype. Identifiers: MedGen CN230736.
Brugada syndrome 5 (BRGDA5). Identifiers: Orphanet 130, Orphanet 871, MedGen C2748541, MONDO:0013015, OMIM 612838.
SCN1B-related disorder. Also called: SCN1B-related condition; SCN1B-Related Disorders.

Allele frequency attached by ClinVar (database versions not stated): gnomAD exomes below 0.00001; ExAC 0.00001; gnomAD 0.00001; TOPMed 0.00002.

Submissions (3):

PreventionGenetics, part of Exact Sciences
Classification: Likely benign for SCN1B-related condition. Last evaluated: 2025-08-04. Review status: criteria provided, single submitter. Criteria: ACMG Guidelines, 2015. Collection method: clinical testing. Allele origin: germline.
Comment: This variant is classified as likely benign based on ACMG/AMP sequence variant interpretation guidelines (Richards et al. 2015 PMID: 25741868, with internal and published modifications).

Labcorp Genetics (formerly Invitae), Labcorp
Classification: Uncertain significance for Brugada syndrome 5. Last evaluated: 2024-10-24. Review status: criteria provided, single submitter. Criteria: Invitae Variant Classification Sherloc (09022015). Collection method: clinical testing. Allele origin: germline.
Comment: The SCN1B gene has multiple clinically relevant transcripts. This variant occurs in alternate transcript NM_001037.5, and corresponds to NM_199037.3:c.*5068C>T in the primary transcript. This sequence change affects codon 166 of the SCN1B mRNA. It is a 'silent' change, meaning that it does not change the encoded amino acid sequence of the SCN1B protein. This variant is present in population databases (rs755440223, gnomAD 0.002%). This variant has not been reported in the literature in individuals affected with SCN1B-related conditions. Experimental studies and prediction algorithms are not available or were not evaluated, and the effect of this variant on mRNA splicing is currently unknown. In summary, the available evidence is currently insufficient to determine the role of this variant in disease. Therefore, it has been classified as a Variant of Uncertain Significance.

Ambry Genetics
Classification: Likely benign for Cardiovascular phenotype. Last evaluated: 2023-01-12. Review status: criteria provided, single submitter. Criteria: Ambry Variant Classification Scheme 2023. Collection method: clinical testing. Allele origin: germline.

NM_001037.5(SCN1B):c.498C>T (p.Leu166=)

Gene: SCN1B (sodium voltage-gated channel beta subunit 1; plus strand). Cytogenetic location: 19q13.11.
Variant type: single nucleotide variant.
Coding change: c.498C>T on transcript NM_001037.5 (MANE Select); coding-DNA position 498, C replaced by T.
Protein change: p.Leu166=; no amino-acid change (leucine 166 retained).
Molecular consequence: synonymous variant.
Genome position (GRCh38, 1-based): chr19:35,039,166, C>T. VCF-style: chr19-35039166-C-T. GRCh37 (hg19) VCF-style: chr19-35530070-C-T.
Other names: c.399C>T, p.Leu133= (NM_001321605.2).
Identifiers: ClinVar variation 2484594 (VCV002484594.5), dbSNP rs755440223, ClinGen allele CA9372084.
Genomic context (GRCh38, chr19:35,039,166, plus strand): 5'-GGCCCCTGCAGCCAACAGAGACATGGCATCCATCGTGTCTGAGATCATGATGTATGTGCT[C>T]ATTGTGGTGTTGACCATATGGCTCGTGGCAGAGATGATTTACTGCTACAAGAAGATCGCT-3'
Protein context (NP_001028.1, residues 156-176): SIVSEIMMYV[Leu166=]IVVLTIWLVA